The following is an entry in ClinVar:

NM_003309.4(TSPYL1):c.94C>G (p.Gln32Glu)

Genes: DSE (dermatan sulfate epimerase; plus strand), TSPYL1 (TSPY like 1; minus strand). Cytogenetic location: 6q22.1.
Variant type: single nucleotide variant.
Coding change: c.94C>G on transcript NM_003309.4 (MANE Select); coding-DNA position 94, C replaced by G.
Protein change: p.Gln32Glu; replaces glutamine 32 with glutamic acid.
Molecular consequence: missense variant. On other transcripts: intron variant (6).
Genome position (GRCh38, 1-based): chr6:116,279,737, G>C on the plus strand (C>G on the coding strand, the complement: TSPYL1 is on the minus strand). VCF-style: chr6-116279737-G-C. GRCh37 (hg19) VCF-style: chr6-116600900-G-C.
Other names: c.-954+20770G>C (NM_001374520.1); c.-54+20770G>C (NM_001322937.2, NM_001322938.2, NM_001374522.1); c.-641+20770G>C (NM_001374521.1); c.-611+20770G>C (NM_001322940.2); short protein forms Q32E.
Identifiers: ClinVar variation 2108350 (VCV002108350.4), dbSNP rs2534378944, ClinGen allele CA365533639.

ClinVar aggregate classification (germline): Uncertain significance (1 of 4 stars; one submission).

Allele frequency attached by ClinVar (database versions not stated): gnomAD exomes below 0.00001.
gnomAD v4.1: 1 of 1,611,888 alleles (0.000062%); highest among the groups gnomAD compares: Non-Finnish European, 0.000085%; no homozygotes.

Submission:

Labcorp Genetics (formerly Invitae), Labcorp
Classification: Uncertain significance. Last evaluated: 2022-03-10. Review status: criteria provided, single submitter. Criteria: Invitae Variant Classification Sherloc (09022015). Collection method: clinical testing. Allele origin: germline.
Comment: This sequence change replaces glutamine, which is neutral and polar, with glutamic acid, which is acidic and polar, at codon 32 of the TSPYL1 protein (p.Gln32Glu). This variant is not present in population databases (gnomAD no frequency). This variant has not been reported in the literature in individuals affected with TSPYL1-related conditions. Algorithms developed to predict the effect of missense changes on protein structure and function (SIFT, PolyPhen-2, Align-GVGD) all suggest that this variant is likely to be tolerated. In summary, the available evidence is currently insufficient to determine the role of this variant in disease. Therefore, it has been classified as a Variant of Uncertain Significance.